The following is an entry in ClinVar:

ClinVar aggregate classification (germline): Conflicting classifications of pathogenicity. Review status: criteria provided, conflicting classifications (1 of 4 stars). 12 submissions from 11 submitters: Uncertain significance (4); Benign (1); Likely benign (6). 1 of the submissions does not count toward it. Last evaluated 2025-12-29.

Conditions:
HSPG2-related disorder. Also called: HSPG2-related disorders; HSPG2-related condition.
Connective tissue disorder. Also called: Connective tissue disease. Identifiers: MedGen C0009782, MONDO:0003900.
Inborn genetic diseases. Identifiers: MedGen C0950123, MeSH D030342.
Lethal Kniest-like syndrome (DDSH). Also called: Dyssegmental Dysplasia. Identifiers: Orphanet 1865, MedGen C1857100, MONDO:0009140, OMIM 224410.
Schwartz-Jampel syndrome. Also called: Myotonic myopathy dwarfism chondrodystrophy and ocular and facial abnormalities. Identifiers: Orphanet 800, MedGen C0036391, MONDO:0009717.

Allele frequency attached by ClinVar (database versions not stated): 1000 Genomes Project 0.00060; 1000 Genomes Project 30x 0.00062; ESP Exome Variant Server 0.00093; gnomAD 0.00103 and 0.00106; TOPMed 0.00105; gnomAD exomes 0.00132; ExAC 0.00185.
gnomAD v4.1: 2,406 of 1,599,730 alleles (0.15%); highest among the groups gnomAD compares: Non-Finnish European, 0.17%; 5 homozygotes.

Submissions (12):

Labcorp Genetics (formerly Invitae), Labcorp
Classification: Likely benign. Last evaluated: 2025-12-29. Review status: criteria provided, single submitter. Criteria: Invitae Variant Classification Sherloc (09022015). Collection method: clinical testing. Allele origin: germline.

Revvity Omics, Revvity
Classification: Uncertain significance. Last evaluated: 2025-04-02. Review status: criteria provided, single submitter. Criteria: ACMG Guidelines, 2015. Collection method: clinical testing. Allele origin: germline.

CeGaT Center for Human Genetics Tuebingen
Classification: Likely benign. Last evaluated: 2025-01-01. Review status: criteria provided, single submitter. Criteria: CeGaT Center For Human Genetics Tuebingen Variant Classification Criteria Version 2. Collection method: clinical testing. Allele origin: germline. Affected: yes. Observed: 3 variant alleles.
Comment: HSPG2: BP4

Blueprint Genetics
Classification: Likely benign. Last evaluated: 2024-11-23. Review status: criteria provided, single submitter. Criteria: ACMG Guidelines, 2015. Collection method: clinical testing. Allele origin: germline.

ARUP Laboratories, Molecular Genetics and Genomics, ARUP Laboratories
Classification: Likely benign. Last evaluated: 2023-10-26. Review status: criteria provided, single submitter. Criteria: ARUP Molecular Germline Variant Investigation Process 2024. Collection method: clinical testing. Allele origin: germline.

Genome Diagnostics Laboratory, The Hospital for Sick Children
Classification: Likely benign for Connective tissue disorder. Last evaluated: 2022-01-21. Review status: criteria provided, single submitter. Criteria: ACMG Guidelines, 2015. Collection method: clinical testing. Allele origin: germline.

Ambry Genetics
Classification: Likely benign for Inborn genetic diseases. Last evaluated: 2021-09-13. Review status: criteria provided, single submitter. Criteria: Ambry Variant Classification Scheme 2023. Collection method: clinical testing. Allele origin: germline.

Illumina Laboratory Services, Illumina
Classification: Uncertain significance for Schwartz-Jampel syndrome type 1. Last evaluated: 2018-01-13. Review status: criteria provided, single submitter. Criteria: ICSL Variant Classification Criteria 13 December 2019. Collection method: clinical testing. Allele origin: germline.

Illumina Laboratory Services, Illumina
Classification: Uncertain significance for Lethal Kniest-like syndrome. Last evaluated: 2018-01-13. Review status: criteria provided, single submitter. Criteria: ICSL Variant Classification Criteria 13 December 2019. Collection method: clinical testing. Allele origin: germline.

Athena Diagnostics
Classification: Benign. Last evaluated: 2017-09-30. Review status: criteria provided, single submitter. Criteria: Athena Diagnostics Criteria. Collection method: clinical testing. Allele origin: germline.

Eurofins Ntd Llc (ga)
Classification: Uncertain significance. Last evaluated: 2017-01-26. Review status: criteria provided, single submitter. Criteria: EGL Classification Definitions 2015. Collection method: clinical testing. Allele origin: germline. Observed: 1 variant allele, 1 heterozygote.

PreventionGenetics, part of Exact Sciences
Classification: Likely benign for HSPG2-related condition. Last evaluated: 2022-03-18. Review status: no assertion criteria provided. Collection method: clinical testing. Allele origin: germline. Not counted in ClinVar's aggregate classification.
Comment: This variant is classified as likely benign based on ACMG/AMP sequence variant interpretation guidelines (Richards et al. 2015 PMID: 25741868, with internal and published modifications).

Literature cited by the submitters: PubMed 25504735 (cited by Athena Diagnostics).

NM_005529.7(HSPG2):c.13018G>A (p.Val4340Met)

Genes: HSPG2 (heparan sulfate proteoglycan 2; minus strand), LDLRAD2 (low density lipoprotein receptor class A domain containing 2; plus strand). Cytogenetic location: 1p36.12.
Variant type: single nucleotide variant.
Coding change: c.13018G>A on transcript NM_005529.7 (MANE Select); coding-DNA position 13018, G replaced by A.
Protein change: p.Val4340Met; replaces valine 4340 with methionine.
Molecular consequence: missense variant. On other transcripts: 3 prime UTR variant (1).
Genome position (GRCh38, 1-based): chr1:21,823,474, C>T on the plus strand (G>A on the coding strand, the complement: HSPG2 is on the minus strand). VCF-style: chr1-21823474-C-T. GRCh37 (hg19) VCF-style: chr1-22149967-C-T.
Other names: c.13021G>A, p.Val4341Met (NM_001291860.2); c.*1259C>T (NM_001013693.3); short protein forms V4340M, V4341M.
Identifiers: ClinVar variation 499443 (VCV000499443.52), dbSNP rs145687082, ClinGen allele CA669150.
Genomic context (GRCh38, chr1:21,823,474, plus strand): 5'-CCAGGTTCTTGACACAGCCTGTGATGCCTGAGGAGAATCTGCCCCCGGTCAGCGTGGCCA[C>T]GTCAGGGGCTCCGCCTGCCGGGAGGTGAGAGGACAGGGCCTGTGGGCTCCAGCAGCCCAG-3'
Protein context (NP_005520.4, residues 4330-4350): GSVYIGGAPD[Val4340Met]ATLTGGRFSS